The following is an entry in ClinVar:

NM_001330260.2(SCN8A):c.3610A>T (p.Ile1204Phe)

Gene: SCN8A (sodium voltage-gated channel alpha subunit 8; plus strand). Cytogenetic location: 12q13.13.
Variant type: single nucleotide variant.
Coding change: c.3610A>T on transcript NM_001330260.2 (MANE Select); coding-DNA position 3610, A replaced by T.
Protein change: p.Ile1204Phe; replaces isoleucine 1204 with phenylalanine.
Molecular consequence: missense variant.
Genome position (GRCh38, 1-based): chr12:51,770,648, A>T. VCF-style: chr12-51770648-A-T. GRCh37 (hg19) VCF-style: chr12-52164432-A-T.
Other names: c.3610A>T, p.Ile1204Phe (NM_001177984.3, NM_001369788.1, NM_014191.4); short protein forms I1204F.
Identifiers: ClinVar variation 4536406 (VCV004536406.1).

ClinVar aggregate classification (germline): Uncertain significance (1 of 4 stars; one submission).

Submission:

GeneDx
Classification: Uncertain significance. Last evaluated: 2025-06-05. Review status: criteria provided, single submitter. Criteria: GeneDx Variant Classification Process June 2021. Collection method: clinical testing. Allele origin: germline. Affected: yes.
Comment: Not observed at significant frequency in large population cohorts (gnomAD); In silico analysis supports that this missense variant has a deleterious effect on protein structure/function; Has not been previously published as pathogenic or benign to our knowledge; This substitution is predicted to be within the transmembrane segment S1 of the third homologous domain